The following is an entry in ClinVar:

ClinVar aggregate classification (germline): Benign/Likely benign. Review status: criteria provided, multiple submitters, no conflicts (2 of 4 stars). 12 submissions from 12 submitters: Benign (7); Likely benign (5). Last evaluated 2026-02-03.

Conditions:
Juvenile polyposis syndrome (JPS). Identifiers: Orphanet 2929, MedGen C0345893, MONDO:0017380, OMIM 174900.
Hereditary cancer-predisposing syndrome. Also called: Tumor predisposition; Neoplastic Syndromes, Hereditary; Hereditary neoplastic syndrome; Hereditary Cancer Syndrome. Identifiers: Orphanet 140162, MedGen C0027672, MeSH D009386, MONDO:0015356.

Allele frequency attached by ClinVar (database versions not stated): 1000 Genomes Project 30x 0.00078; 1000 Genomes Project 0.00080; gnomAD 0.00089; TOPMed 0.00119; ESP Exome Variant Server 0.00146.
gnomAD v4.1: 293 of 1,614,168 alleles (0.018%); highest among the groups gnomAD compares: African/African-American, 0.33%; 1 homozygote.

Submissions (12):

Labcorp Genetics (formerly Invitae), Labcorp
Classification: Benign for Juvenile polyposis syndrome. Last evaluated: 2026-02-03. Review status: criteria provided, single submitter. Criteria: Invitae Variant Classification Sherloc (09022015). Collection method: clinical testing. Allele origin: germline.

KCCC/NGS Laboratory, Kuwait Cancer Control Center
Classification: Benign for Juvenile polyposis syndrome. Last evaluated: 2025-02-01. Review status: criteria provided, single submitter. Criteria: ACMG Guidelines, 2015. Collection method: clinical testing. Allele origin: germline. Affected: no.

Myriad Genetics, Inc.
Classification: Benign for Juvenile polyposis syndrome. Last evaluated: 2024-08-08. Review status: criteria provided, single submitter. Criteria: Myriad Autosomal Dominant, Autosomal Recessive and X-Linked Classification Criteria (2023). Collection method: clinical testing. Allele origin: unknown.
Comment: This variant is considered benign. This variant is a silent/synonymous amino acid change and it is not expected to impact splicing.

Blueprint Genetics
Classification: Likely benign. Last evaluated: 2024-04-12. Review status: criteria provided, single submitter. Criteria: ACMG Guidelines, 2015. Collection method: clinical testing. Allele origin: germline.

Quest Diagnostics Nichols Institute San Juan Capistrano
Classification: Benign. Last evaluated: 2023-01-03. Review status: criteria provided, single submitter. Criteria: Quest Diagnostics criteria. Collection method: clinical testing. Allele origin: unknown.

Sema4
Classification: Benign for Hereditary cancer-predisposing syndrome. Last evaluated: 2020-12-02. Review status: criteria provided, single submitter. Criteria: Sema4 Curation Guidelines. Collection method: curation. Allele origin: germline.

Eurofins Ntd Llc (ga)
Classification: Likely benign. Last evaluated: 2017-04-10. Review status: criteria provided, single submitter. Criteria: EGL Classification Definitions 2015. Collection method: clinical testing. Allele origin: germline. Observed: 1 variant allele, 1 heterozygote.

Genetic Services Laboratory, University of Chicago
Classification: Likely benign. Last evaluated: 2017-04-02. Review status: criteria provided, single submitter. Criteria: ACMG Guidelines, 2015. Collection method: clinical testing. Allele origin: germline. Affected: no.

Women's Health and Genetics/Laboratory Corporation of America, LabCorp
Classification: Benign. Last evaluated: 2016-07-25. Review status: criteria provided, single submitter. Criteria: LabCorp Variant Classification Summary - May 2015. Collection method: clinical testing. Allele origin: germline.
Comment: Variant summary: The BMPR1A c.1395G>C (p.Pro465Pro) variant involves the alteration of a non-conserved nucleotide, resulting in a synonymous change. 4/5 splice prediction tools predict no significant impact on normal splicing. This variant was found in 38/121402 control chromosomes, predominantly observed in the African subpopulation at a frequency of 0.0034595 (36/10406). This frequency is about 1730 times the estimated maximal expected allele frequency of a pathogenic BMPR1A variant (0.000002), suggesting this is likely a benign polymorphism found primarily in the populations of African origin. In addition, multiple clinical diagnostic laboratories have classified this variant as likely benign/benign. The variant of interest has not been reported in affected individuals via publications. Taken together, this variant is classified as Benign.

Color Diagnostics, LLC DBA Color Health
Classification: Likely benign for Hereditary cancer-predisposing syndrome. Last evaluated: 2016-03-09. Review status: criteria provided, single submitter. Criteria: ACMG Guidelines, 2015. Collection method: clinical testing. Allele origin: germline.

GeneDx
Classification: Benign. Last evaluated: 2015-05-19. Review status: criteria provided, single submitter. Criteria: GeneDx Variant Classification (06012015). Collection method: clinical testing. Allele origin: germline. Affected: yes.
Comment: This variant is considered likely benign or benign based on one or more of the following criteria: it is a conservative change, it occurs at a poorly conserved position in the protein, it is predicted to be benign by multiple in silico algorithms, and/or has population frequency not consistent with disease.

Ambry Genetics
Classification: Likely benign for Hereditary cancer-predisposing syndrome. Last evaluated: 2014-09-10. Review status: criteria provided, single submitter. Criteria: Ambry Variant Classification Scheme 2023. Collection method: clinical testing. Allele origin: germline.

Literature cited by the submitters: PubMed 17344846 (cited by Quest Diagnostics Nichols Institute San Juan Capistrano).

NM_004329.3(BMPR1A):c.1395G>C (p.Pro465=)

Gene: BMPR1A (bone morphogenetic protein receptor type 1A; plus strand). Cytogenetic location: 10q23.2.
Variant type: single nucleotide variant.
Coding change: c.1395G>C on transcript NM_004329.3 (MANE Select); coding-DNA position 1395, G replaced by C.
Protein change: p.Pro465=; no amino-acid change (proline 465 retained).
Molecular consequence: synonymous variant.
Genome position (GRCh38, 1-based): chr10:86,923,428, G>C. VCF-style: chr10-86923428-G-C. GRCh37 (hg19) VCF-style: chr10-88683185-G-C.
Identifiers: ClinVar variation 183709 (VCV000183709.33), dbSNP rs55845713, ClinGen allele CA186190.